The following is an entry in ClinVar:

ClinVar aggregate classification (germline): Uncertain significance (1 of 4 stars; one submission).

Submission:

Ambry Genetics
Classification: Uncertain significance. Last evaluated: 2023-12-01. Review status: criteria provided, single submitter. Criteria: Ambry Variant Classification Scheme 2023. Collection method: clinical testing. Allele origin: germline.
Comment: Does not currently meet published gene-disease clinical validity criteria Based on insufficient or conflicting evidence, the clinical significance of this alteration remains unclear.

Literature cited by the submitters: PubMed 28106320.

NM_030667.3(PTPRO):c.2012T>C (p.Val671Ala)

Gene: PTPRO (protein tyrosine phosphatase receptor type O; plus strand). Cytogenetic location: 12p12.3.
Variant type: single nucleotide variant.
Coding change: c.2012T>C on transcript NM_030667.3 (MANE Select); coding-DNA position 2012, T replaced by C.
Protein change: p.Val671Ala; replaces valine 671 with alanine.
Molecular consequence: missense variant.
Genome position (GRCh38, 1-based): chr12:15,524,934, T>C. VCF-style: chr12-15524934-T-C. GRCh37 (hg19) VCF-style: chr12-15677868-T-C.
Other names: c.2012T>C, p.Val671Ala (NM_002848.4); short protein forms V671A.
Identifiers: ClinVar variation 3149555 (VCV003149555.1), dbSNP rs2539990320, ClinGen allele CA384035481.